The following is an entry in ClinVar:

ClinVar aggregate classification (germline): Uncertain significance. Review status: criteria provided, multiple submitters, no conflicts (2 of 4 stars). 2 submissions from 2 submitters: Uncertain significance (2). Last evaluated 2025-04-27.

Conditions:
Inborn genetic diseases. Identifiers: MedGen C0950123, MeSH D030342.

gnomAD v4.1: 3 of 1,612,258 alleles (0.00019%); no homozygotes.

Submissions (2):

Labcorp Genetics (formerly Invitae), Labcorp
Classification: Uncertain significance. Last evaluated: 2025-04-27. Review status: criteria provided, single submitter. Criteria: Invitae Variant Classification Sherloc (09022015). Collection method: clinical testing. Allele origin: germline.
Comment: This sequence change replaces serine, which is neutral and polar, with cysteine, which is neutral and slightly polar, at codon 44 of the HTRA2 protein (p.Ser44Cys). This variant is present in population databases (no rsID available, gnomAD 0.006%). This variant has not been reported in the literature in individuals affected with HTRA2-related conditions. ClinVar contains an entry for this variant (Variation ID: 2216649). An algorithm developed to predict the effect of missense changes on protein structure and function (PolyPhen-2) suggests that this variant is likely to be disruptive. In summary, the available evidence is currently insufficient to determine the role of this variant in disease. Therefore, it has been classified as a Variant of Uncertain Significance.

Ambry Genetics
Classification: Uncertain significance for Inborn genetic diseases. Last evaluated: 2022-12-12. Review status: criteria provided, single submitter. Criteria: Ambry Variant Classification Scheme 2023. Collection method: clinical testing. Allele origin: germline.

NM_013247.5(HTRA2):c.131C>G (p.Ser44Cys)

Gene: HTRA2 (HtrA serine peptidase 2; plus strand). Cytogenetic location: 2p13.1.
Variant type: single nucleotide variant.
Coding change: c.131C>G on transcript NM_013247.5 (MANE Select); coding-DNA position 131, C replaced by G.
Protein change: p.Ser44Cys; replaces serine 44 with cysteine.
Molecular consequence: missense variant. On other transcripts: non-coding transcript variant (1).
Genome position (GRCh38, 1-based): chr2:74,530,137, C>G. VCF-style: chr2-74530137-C-G. GRCh37 (hg19) VCF-style: chr2-74757264-C-G.
Other names: c.131C>G, p.Ser44Cys (NM_001321727.1, NM_001321728.1, NM_145074.2); short protein forms S44C.
Identifiers: ClinVar variation 2216649 (VCV002216649.3), dbSNP rs1175663219, ClinGen allele CA347375885.